The following is an entry in ClinVar:

ClinVar aggregate classification (germline): Likely benign. Review status: criteria provided, multiple submitters, no conflicts (2 of 4 stars). 2 submissions from 2 submitters: Likely benign (2). Last evaluated 2026-01-07.

Conditions:
LRP5-related disorder. Also called: LRP5-related condition.

gnomAD v4.1: 2 of 1,611,596 alleles (0.00012%); highest among the groups gnomAD compares: Non-Finnish European, 0.00017%; no homozygotes.

Submissions (2):

Labcorp Genetics (formerly Invitae), Labcorp
Classification: Likely benign. Last evaluated: 2026-01-07. Review status: criteria provided, single submitter. Criteria: Invitae Variant Classification Sherloc (09022015). Collection method: clinical testing. Allele origin: germline.

PreventionGenetics, part of Exact Sciences
Classification: Likely benign for LRP5-related condition. Last evaluated: 2025-07-31. Review status: criteria provided, single submitter. Criteria: ACMG Guidelines, 2015. Collection method: clinical testing. Allele origin: germline.
Comment: This variant is classified as likely benign based on ACMG/AMP sequence variant interpretation guidelines (Richards et al. 2015 PMID: 25741868, with internal and published modifications).

NM_002335.4(LRP5):c.3438C>T (p.Arg1146=)

Gene: LRP5 (LDL receptor related protein 5; plus strand). Cytogenetic location: 11q13.2.
Variant type: single nucleotide variant.
Coding change: c.3438C>T on transcript NM_002335.4 (MANE Select); coding-DNA position 3438, C replaced by T.
Protein change: p.Arg1146=; no amino-acid change (arginine 1146 retained).
Molecular consequence: synonymous variant.
Genome position (GRCh38, 1-based): chr11:68,425,988, C>T. VCF-style: chr11-68425988-C-T. GRCh37 (hg19) VCF-style: chr11-68193456-C-T.
Other names: c.1695C>T, p.Arg565= (NM_001291902.2); c.3438C>T (NM_002335.3).
Identifiers: ClinVar variation 1152746 (VCV001152746.11), dbSNP rs2153174362, ClinGen allele CA475464762.